The following is an entry in ClinVar:

ClinVar aggregate classification (germline): Likely pathogenic (1 of 4 stars; one submission).

Conditions:
Tuberous sclerosis 1 (TSC1). Identifiers: Orphanet 805, MedGen C1854465, MONDO:0008612, OMIM 191100.

Submission:

Labcorp Genetics (formerly Invitae), Labcorp
Classification: Likely pathogenic for Tuberous sclerosis 1. Last evaluated: 2018-07-31. Review status: criteria provided, single submitter. Criteria: Invitae Variant Classification Sherloc (09022015). Collection method: clinical testing. Allele origin: germline.
Comment: In summary, the currently available evidence indicates that the variant is pathogenic, but additional data are needed to prove that conclusively. Therefore, this variant has been classified as Likely Pathogenic. Donor and acceptor splice site variants typically lead to a loss of protein function (PMID: 16199547), and loss-of-function variants in TSC1 are known to be pathogenic (PMID: 10227394, 17304050). This variant has not been reported in the literature in individuals with TSC1-related disease. This variant is not present in population databases (ExAC no frequency). This sequence change affects donor splice site in intron 19 of the TSC1 gene. It is expected to disrupt RNA splicing and likely results in an absent or disrupted protein product.

Literature cited by the submitters: PubMed 16199547; PubMed 10227394; PubMed 17304050.

NM_000368.5(TSC1):c.2502+2_2502+9del

Gene: TSC1 (TSC complex subunit 1; minus strand). Cytogenetic location: 9q34.13.
Variant type: Deletion.
Coding change: c.2502+2_2502+9del on transcript NM_000368.5 (MANE Select); the canonical splice donor site of the intron after coding-DNA position 2502 through 9 bases into the intron after coding-DNA position 2502, 8 bases deleted (TAAGAAGA; older notation c.2502+2_2502+9delTAAGAAGA).
Molecular consequence: splice donor variant.
Genome position (GRCh38, 1-based): chr9:132,901,580-132,901,587, TCTTCTTA deleted on the plus strand (TAAGAAGA on the coding strand, the reverse complement: TSC1 is on the minus strand). VCF-style (leftmost placement, unchanged base first): chr9-132901579-TTCTTCTTA-T. GRCh37 (hg19) VCF-style: chr9-135776966-TTCTTCTTA-T.
Other names: c.2139+2_2139+9del (NM_001362177.2); c.2349+2_2349+9del (NM_001162427.2); c.2499+2_2499+9del (NM_001162426.2).
Identifiers: ClinVar variation 643751 (VCV000643751.6), dbSNP rs1588298866, ClinGen allele CA915947231.